The following is an entry in ClinVar:

NM_000548.5(TSC2):c.4898_4915del (p.His1633_Lys1638del)

Gene: TSC2 (TSC complex subunit 2; plus strand). Cytogenetic location: 16p13.3.
Variant type: Deletion.
Coding change: c.4898_4915del on transcript NM_000548.5 (MANE Select); coding-DNA positions 4898 to 4915, 18 bases deleted (ACCGCTGCGACAAGAAGC).
Protein change: p.His1633_Lys1638del.
Molecular consequence: inframe deletion. On other transcripts: inframe indel (32).
Genome position (GRCh38, 1-based): chr16:2,086,780-2,086,797, ACCGCTGCGACAAGAAGC deleted; deleting any 18 consecutive bases within chr16:2,086,776-2,086,797 gives the same sequence; the c. name uses the placement nearest the transcript's 3' end. VCF-style (leftmost placement, unchanged base first): chr16-2086775-CAAGCACCGCTGCGACAAG-C. GRCh37 (hg19) VCF-style: chr16-2136776-CAAGCACCGCTGCGACAAG-C.
Other names: c.4820_4837del18, p.His1607_Lys1612del (NM_001406665.1); c.4685_4702del18, p.His1562_Lys1567del (NM_001406673.1); c.4682_4699del18, p.His1561_Lys1566del (NM_001406675.1); c.4679_4696del18, p.His1560_Lys1565del (NM_001406676.1); c.4790_4807del18, p.His1597_Lys1602del (NM_001406667.1); c.4688_4705del18, p.His1563_Lys1568del (NM_001406671.1); c.4787_4804del18, p.His1596_Lys1601del (NM_001406668.1); c.4718_4735del18, p.His1573_Lys1578del (NM_001406670.1); and 26 more.
Identifiers: ClinVar variation 1743882 (VCV001743882.2), dbSNP rs2544401818, ClinGen allele CA2580091083.

ClinVar aggregate classification (germline): Likely pathogenic (1 of 4 stars; one submission).

Conditions:
Hereditary cancer-predisposing syndrome. Also called: Hereditary Cancer Syndrome; Neoplastic Syndromes, Hereditary; Tumor predisposition; Hereditary neoplastic syndrome. Identifiers: Orphanet 140162, MedGen C0027672, MeSH D009386, MONDO:0015356.

Submission:

Ambry Genetics
Classification: Likely pathogenic for Hereditary cancer-predisposing syndrome. Last evaluated: 2022-02-25. Review status: criteria provided, single submitter. Criteria: Ambry Variant Classification Scheme 2023. Collection method: clinical testing. Allele origin: germline.
Comment: The c.4898_4915del18 variant (also known as p.H1633_K1638del) is located in coding exon 37 of the TSC2 gene. This variant results from an in-frame ACCGCTGCGACAAGAAGC deletion at nucleotide positions 4898 to 4915. This results in the in-frame deletion of the six amino acid residues at codons 1633-1638. This amino acid region is not well conserved in available vertebrate species. This variant is considered to be rare based on population cohorts in the Genome Aggregation Database (gnomAD). In addition, this alteration is predicted to be deleterious by in silico analysis (Choi Y et al. PLoS ONE. 2012; 7(10):e46688). Based on the majority of available evidence to date, this variant is likely to be pathogenic.